The following is an entry in ClinVar:

NM_014270.5(SLC7A9):c.667C>A (p.Leu223Met)

Gene: SLC7A9 (solute carrier family 7 member 9; minus strand). Cytogenetic location: 19q13.11.
Variant type: single nucleotide variant.
Coding change: c.667C>A on transcript NM_014270.5 (MANE Select); coding-DNA position 667, C replaced by A.
Protein change: p.Leu223Met; replaces leucine 223 with methionine.
Molecular consequence: missense variant.
Genome position (GRCh38, 1-based): chr19:32,862,155, G>T on the plus strand (C>A on the coding strand, the complement: SLC7A9 is on the minus strand). VCF-style: chr19-32862155-G-T. GRCh37 (hg19) VCF-style: chr19-33353061-G-T.
Other names: c.667C>A, p.Leu223Met (NM_001126335.2, NM_001243036.2); short protein forms L223M.
Identifiers: ClinVar variation 328755 (VCV000328755.26), dbSNP rs1007160, ClinGen allele CA9358733.

ClinVar aggregate classification (germline): Benign/Likely benign. Review status: criteria provided, multiple submitters, no conflicts (2 of 4 stars). 10 submissions from 10 submitters: Benign (7); Likely benign (1). 2 of the submissions do not count toward it. Last evaluated 2026-03-03.

Conditions:
Cystinuria (CSNU). Also called: Cystinuria, non-type I; CYSTINURIA, TYPE I; CYSTINURIA, TYPE II; CYSTINURIA, TYPE III. Identifiers: Orphanet 214, MedGen C0010691, MONDO:0009067, OMIM 220100, HP:0003131.

Allele frequency attached by ClinVar (database versions not stated): 1000 Genomes Project 0.27815; 1000 Genomes Project 30x 0.27904; gnomAD exomes 0.29448; ExAC 0.29711; TOPMed 0.30558; gnomAD 0.31494 and 0.31956; ESP Exome Variant Server 0.32969.
gnomAD v4.1: 518,484 of 1,609,338 alleles (32%); highest among the groups gnomAD compares: Middle Eastern, 35%; 85,853 homozygotes.

Submissions (10):

Women's Health and Genetics/Laboratory Corporation of America, LabCorp
Classification: Likely benign. Last evaluated: 2026-03-03. Review status: criteria provided, single submitter. Criteria: LabCorp Variant Classification Summary - May 2015. Collection method: clinical testing. Allele origin: germline.

Labcorp Genetics (formerly Invitae), Labcorp
Classification: Benign. Last evaluated: 2026-02-04. Review status: criteria provided, single submitter. Criteria: Invitae Variant Classification Sherloc (09022015). Collection method: clinical testing. Allele origin: germline.

Blueprint Genetics
Classification: Benign. Last evaluated: 2024-11-28. Review status: criteria provided, single submitter. Criteria: ACMG Guidelines, 2015. Collection method: clinical testing. Allele origin: germline.

Mayo Clinic Laboratories, Mayo Clinic
Classification: Benign. Last evaluated: 2022-03-09. Review status: criteria provided, single submitter. Criteria: ACMG Guidelines, 2015. Collection method: clinical testing. Allele origin: germline. Observed: 110 variant alleles.

GeneDx
Classification: Benign. Last evaluated: 2019-12-12. Review status: criteria provided, single submitter. Criteria: GeneDx Variant Classification Process June 2021. Collection method: clinical testing. Allele origin: germline. Affected: yes.

Mendelics
Classification: Benign for Cystinuria. Last evaluated: 2019-05-28. Review status: criteria provided, single submitter. Criteria: Mendelics Assertion Criteria 2017. Collection method: clinical testing. Allele origin: unknown.

Illumina Laboratory Services, Illumina
Classification: Benign for Cystinuria. Last evaluated: 2018-01-12. Review status: criteria provided, single submitter. Criteria: ICSL Variant Classification Criteria 13 December 2019. Collection method: clinical testing. Allele origin: germline.
Comment: This variant was observed in the ICSL laboratory as part of a predisposition screen in an ostensibly healthy population. It had not been previously curated by ICSL or reported in the Human Gene Mutation Database (HGMD: prior to June 1st, 2018), and was therefore a candidate for classification through an automated scoring system. Utilizing variant allele frequency, disease prevalence and penetrance estimates, and inheritance mode, an automated score was calculated to assess if this variant is too frequent to cause the disease. Based on the score and internal cut-off values, a variant classified as benign is not then subjected to further curation. The score for this variant resulted in a classification of benign for this disease.

Breakthrough Genomics
Classification: Benign. Review status: criteria provided, single submitter. Criteria: ACMG Guidelines, 2015. Collection method: not provided. Allele origin: germline. Inheritance: Autosomal dominant inheritance. Affected: yes.

Diagnostic Laboratory, Department of Genetics, University Medical Center Groningen
Classification: Benign. Review status: no assertion criteria provided. Collection method: clinical testing. Allele origin: germline. Affected: yes. Study: VKGL Data-share Consensus. Not counted in ClinVar's aggregate classification.

Joint Genome Diagnostic Labs from Nijmegen and Maastricht, Radboudumc and MUMC+
Classification: Benign. Review status: no assertion criteria provided. Collection method: clinical testing. Allele origin: germline. Affected: yes. Study: VKGL Data-share Consensus. Not counted in ClinVar's aggregate classification.